The following is an entry in ClinVar:

ClinVar aggregate classification (germline): Uncertain significance. Review status: criteria provided, multiple submitters, no conflicts (2 of 4 stars). 2 submissions from 2 submitters: Uncertain significance (2). Last evaluated 2023-12-11.

Conditions:
Hereditary cancer-predisposing syndrome. Also called: Hereditary Cancer Syndrome; Neoplastic Syndromes, Hereditary; Tumor predisposition; Hereditary neoplastic syndrome. Identifiers: Orphanet 140162, MedGen C0027672, MeSH D009386, MONDO:0015356.
Hereditary breast ovarian cancer syndrome. Also called: BRCA1- and BRCA2-Associated Hereditary Breast and Ovarian Cancer; Breast and ovarian cancer; Hereditary breast and/or ovarian cancer syndrome; Hereditary breast and ovarian cancer; Hereditary breast and ovarian cancer syndrome (HBOC); Hereditary breast and ovarian cancer syndrome. Identifiers: Orphanet 145, MedGen C0677776, MeSH D061325, MONDO:0003582. Disease mechanism: loss of function.

Submissions (2):

Ambry Genetics
Classification: Uncertain significance for Hereditary cancer-predisposing syndrome. Last evaluated: 2023-12-11. Review status: criteria provided, single submitter. Criteria: Ambry Variant Classification Scheme 2023. Collection method: clinical testing. Allele origin: germline.
Comment: The p.D397N variant (also known as c.1189G>A), located in coding exon 9 of the BRCA1 gene, results from a G to A substitution at nucleotide position 1189. The aspartic acid at codon 397 is replaced by asparagine, an amino acid with highly similar properties. This amino acid position is not well conserved in available vertebrate species. In addition, the in silico prediction for this alteration is inconclusive. Since supporting evidence is limited at this time, the clinical significance of this alteration remains unclear.

Labcorp Genetics (formerly Invitae), Labcorp
Classification: Uncertain significance for Hereditary breast ovarian cancer syndrome. Last evaluated: 2023-07-17. Review status: criteria provided, single submitter. Criteria: Invitae Variant Classification Sherloc (09022015). Collection method: clinical testing. Allele origin: germline.
Comment: This variant has not been reported in the literature in individuals affected with BRCA1-related conditions. In summary, the available evidence is currently insufficient to determine the role of this variant in disease. Therefore, it has been classified as a Variant of Uncertain Significance. Advanced modeling of protein sequence and biophysical properties (such as structural, functional, and spatial information, amino acid conservation, physicochemical variation, residue mobility, and thermodynamic stability) performed at Invitae indicates that this missense variant is not expected to disrupt BRCA1 protein function. This variant is not present in population databases (gnomAD no frequency). This sequence change replaces aspartic acid, which is acidic and polar, with asparagine, which is neutral and polar, at codon 397 of the BRCA1 protein (p.Asp397Asn).

NM_007294.4(BRCA1):c.1189G>A (p.Asp397Asn)

Gene: BRCA1 (BRCA1 DNA repair associated; minus strand). Cytogenetic location: 17q21.31.
Variant type: single nucleotide variant.
Coding change: c.1189G>A on transcript NM_007294.4 (MANE Select); coding-DNA position 1189, G replaced by A.
Protein change: p.Asp397Asn; replaces aspartic acid 397 with asparagine.
Molecular consequence: missense variant. On other transcripts: intron variant (137).
Genome position (GRCh38, 1-based): chr17:43,094,342, C>T on the plus strand (G>A on the coding strand, the complement: BRCA1 is on the minus strand). VCF-style: chr17-43094342-C-T. GRCh37 (hg19) VCF-style: chr17-41246359-C-T.
Other names: c.1066G>A, p.Asp356Asn (NM_001407669.1, NM_001407674.1, NM_001407675.1 and 19 more transcripts); c.925G>A, p.Asp309Asn (NM_001407929.1, NM_001407935.1, NM_001407933.1 and 9 more transcripts); c.1063G>A, p.Asp355Asn (NM_001407670.1, NM_001407671.1, NM_001407672.1 and 11 more transcripts); c.922G>A, p.Asp308Asn (NM_001407930.1, NM_001407932.1, NM_001407934.1 and 2 more transcripts); c.976G>A, p.Asp326Asn (NM_001407571.1, NM_001407853.1, NM_001407894.1 and 9 more transcripts); c.1189G>A, p.Asp397Asn (NM_001407581.1, NM_001407582.1, NM_001407583.1 and 30 more transcripts); c.1186G>A, p.Asp396Asn (NM_001407587.1, NM_001407590.1, NM_001407591.1 and 22 more transcripts); c.1180G>A, p.Asp394Asn (NM_001407646.1, NM_001407647.1); and 40 more; short protein forms D270N, D286N, D326N, D327N, D349N, D355N, D396N, D285N.
Identifiers: ClinVar variation 2744350 (VCV002744350.4), dbSNP rs2154471533, ClinGen allele CA10599673.
Genomic context (GRCh38, chr17:43,094,342, plus strand): 5'-TTAGAACGTCCAATACATCAGCTACTTTGGCATTTGATTCAGACTCCCCATCATGTGAGT[C>T]ATCAGAACCTAACAGTTCATCACTTCTGGAAAACCACTCATTAACTTTCTGAATGCTGCT-3'
Protein context (NP_009225.1, residues 387-407): SRSDELLGSD[Asp397Asn]SHDGESESNA